The following is an entry in ClinVar:

ClinVar aggregate classification (germline): Uncertain significance (1 of 4 stars; one submission).

Conditions:
Charcot-Marie-Tooth disease dominant intermediate C (CMTDIC). Also called: CHARCOT-MARIE-TOOTH NEUROPATHY, DOMINANT INTERMEDIATE C. Identifiers: Orphanet 100045, MedGen C1842237, MONDO:0012012, OMIM 608323.

Allele frequency attached by ClinVar (database versions not stated): gnomAD exomes 0.00002; gnomAD 0.00003; ExAC 0.00006.
gnomAD v4.1: 41 of 1,613,872 alleles (0.0025%); highest among the groups gnomAD compares: South Asian, 0.04%; no homozygotes.

Submission:

Labcorp Genetics (formerly Invitae), Labcorp
Classification: Uncertain significance for Charcot-Marie-Tooth disease dominant intermediate C. Last evaluated: 2022-10-10. Review status: criteria provided, single submitter. Criteria: Invitae Variant Classification Sherloc (09022015). Collection method: clinical testing. Allele origin: germline.
Comment: Advanced modeling of protein sequence and biophysical properties (such as structural, functional, and spatial information, amino acid conservation, physicochemical variation, residue mobility, and thermodynamic stability) performed at Invitae indicates that this missense variant is not expected to disrupt YARS protein function. In summary, the available evidence is currently insufficient to determine the role of this variant in disease. Therefore, it has been classified as a Variant of Uncertain Significance. This variant has not been reported in the literature in individuals affected with YARS-related conditions. This variant is present in population databases (rs745367045, gnomAD 0.03%). This sequence change replaces isoleucine, which is neutral and non-polar, with valine, which is neutral and non-polar, at codon 527 of the YARS protein (p.Ile527Val).

NM_003680.4(YARS1):c.1579A>G (p.Ile527Val)

Gene: YARS1 (tyrosyl-tRNA synthetase 1; minus strand). Cytogenetic location: 1p35.1.
Variant type: single nucleotide variant.
Coding change: c.1579A>G on transcript NM_003680.4 (MANE Select); coding-DNA position 1579, A replaced by G.
Protein change: p.Ile527Val; replaces isoleucine 527 with valine.
Molecular consequence: missense variant.
Genome position (GRCh38, 1-based): chr1:32,775,989, T>C on the plus strand (A>G on the coding strand, the complement: YARS1 is on the minus strand). VCF-style: chr1-32775989-T-C. GRCh37 (hg19) VCF-style: chr1-33241590-T-C.
Other names: short protein forms I527V.
Identifiers: ClinVar variation 2164814 (VCV002164814.4), dbSNP rs745367045, ClinGen allele CA744853.